The following is an entry in ClinVar:

GRCh38/hg38 1q41(chr1:216518607-219827290)x1

Genes: ESRRG (estrogen related receptor gamma; minus strand), GPATCH2 (G-patch domain containing 2; minus strand), LINC00210 (long intergenic non-protein coding RNA 210; plus strand), LINC01653 (long intergenic non-protein coding RNA 1653; plus strand), LINC01710 (long intergenic non-protein coding RNA 1710; minus strand) and 52 more. Cytogenetic location: 1q41.
Variant type: copy number loss.
Change: copy number 1 (one copy instead of two) of chr1:216,518,607-219,827,290 (3.31 Mb, GRCh38 coordinates, 1-based), cytogenetic band 1q41.
Identifiers: ClinVar variation 60081 (VCV000060081.1).

ClinVar aggregate classification (germline): Pathogenic (1 of 4 stars; one submission).

Submission:

ISCA site 17
Classification: Pathogenic. Last evaluated: 2011-08-12. Review status: criteria provided, single submitter. Criteria: Kaminsky et al. (Genet Med. 2011). Collection method: clinical testing. Allele origin: unknown. Affected: yes. Observed: 1 variant allele.
Comment: Copy number variation identified through the course of routine clinical cytogenomic testing in postnatal populations. Clinical assertions have been curated as described in Kaminsky et al. 2011.